The following is an entry in ClinVar:

NM_000179.3(MSH6):c.1568C>T (p.Thr523Ile)

Gene: MSH6 (mutS homolog 6; plus strand). Cytogenetic location: 2p16.3.
Variant type: single nucleotide variant.
Coding change: c.1568C>T on transcript NM_000179.3 (MANE Select); coding-DNA position 1568, C replaced by T.
Protein change: p.Thr523Ile; replaces threonine 523 with isoleucine.
Molecular consequence: missense variant.
Genome position (GRCh38, 1-based): chr2:47,799,551, C>T. VCF-style: chr2-47799551-C-T. GRCh37 (hg19) VCF-style: chr2-48026690-C-T.
Other names: c.1178C>T, p.Thr393Ile (NM_001281492.2); c.662C>T, p.Thr221Ile (NM_001281493.2, NM_001281494.2); short protein forms T523I, T393I, T221I.
Identifiers: ClinVar variation 486889 (VCV000486889.13), dbSNP rs1553412959, ClinGen allele CA346746769.
Genomic context (GRCh38, chr2:47,799,551, plus strand): 5'-CCAAGTATGATAGAGTGGTGAGGAGGGAGATCTGTAGGATCATTACCAAGGGTACACAGA[C>T]TTACAGTGTGCTGGAAGGTGATCCCTCTGAGAACTACAGTAAGTATCTTCTTAGCCTCAA-3'
Protein context (NP_000170.1, residues 513-533): ICRIITKGTQ[Thr523Ile]YSVLEGDPSE

ClinVar aggregate classification (germline): Uncertain significance. Review status: criteria provided, multiple submitters, no conflicts (2 of 4 stars). 2 submissions from 2 submitters: Uncertain significance (2). Last evaluated 2025-11-05.

Conditions:
Hereditary cancer-predisposing syndrome. Also called: Tumor predisposition; Hereditary Cancer Syndrome; Hereditary neoplastic syndrome; Neoplastic Syndromes, Hereditary. Identifiers: Orphanet 140162, MedGen C0027672, MeSH D009386, MONDO:0015356.
Hereditary nonpolyposis colorectal neoplasms. Identifiers: MedGen C0009405, MeSH D003123.

Submissions (2):

Labcorp Genetics (formerly Invitae), Labcorp
Classification: Uncertain significance for Hereditary nonpolyposis colorectal neoplasms. Last evaluated: 2025-11-05. Review status: criteria provided, single submitter. Criteria: Invitae Variant Classification Sherloc (09022015). Collection method: clinical testing. Allele origin: germline.
Comment: This sequence change replaces threonine, which is neutral and polar, with isoleucine, which is neutral and non-polar, at codon 523 of the MSH6 protein (p.Thr523Ile). This variant is not present in population databases (gnomAD no frequency). This variant has not been reported in the literature in individuals affected with MSH6-related conditions. ClinVar contains an entry for this variant (Variation ID: 486889). Invitae Evidence Modeling of protein sequence and biophysical properties (such as structural, functional, and spatial information, amino acid conservation, physicochemical variation, residue mobility, and thermodynamic stability) indicates that this missense variant is not expected to disrupt MSH6 protein function with a negative predictive value of 95%. In summary, the available evidence is currently insufficient to determine the role of this variant in disease. Therefore, it has been classified as a Variant of Uncertain Significance.

Ambry Genetics
Classification: Uncertain significance for Hereditary cancer-predisposing syndrome. Last evaluated: 2025-09-07. Review status: criteria provided, single submitter. Criteria: Ambry Variant Classification Scheme 2023. Collection method: clinical testing. Allele origin: germline.
Comment: The p.T523I variant (also known as c.1568C>T), located in coding exon 4 of the MSH6 gene, results from a C to T substitution at nucleotide position 1568. The threonine at codon 523 is replaced by isoleucine, an amino acid with similar properties. This amino acid position is highly conserved in available vertebrate species. In addition, this alteration is predicted to be deleterious by in silico analysis. Since supporting evidence is limited at this time, the clinical significance of this alteration remains unclear.